The following is an entry in ClinVar:

ClinVar aggregate classification (germline): Uncertain significance. Review status: criteria provided, multiple submitters, no conflicts (2 of 4 stars). 3 submissions from 3 submitters: Uncertain significance (3). Last evaluated 2025-08-23.

Conditions:
Singleton-Merten syndrome 1 (SGMRT1). Also called: Widened medullary cavities of bone, aortic calcification, abnormal dentition, and muscular weakness; Syndrome of widened medullary cavities of the metacarpals and phalanges, aortic calcification and abnormal dentition. Identifiers: Orphanet 85191, MedGen C4225427, MONDO:0024535, OMIM 182250.
Aicardi-Goutieres syndrome 7 (AGS7). Identifiers: Orphanet 51, MedGen C3888244, MONDO:0014367, OMIM 615846.

Allele frequency attached by ClinVar (database versions not stated): gnomAD exomes below 0.00001 and 0.00001; TOPMed below 0.00001.
gnomAD v4.1: 4 of 1,614,212 alleles (0.00025%); highest among the groups gnomAD compares: Non-Finnish European, 0.00034%; no homozygotes.

Submissions (3):

Labcorp Genetics (formerly Invitae), Labcorp
Classification: Uncertain significance for Aicardi-Goutieres syndrome 7; Singleton-Merten syndrome 1. Last evaluated: 2025-08-23. Review status: criteria provided, single submitter. Criteria: Invitae Variant Classification Sherloc (09022015). Collection method: clinical testing. Allele origin: germline.
Comment: This sequence change replaces leucine, which is neutral and non-polar, with proline, which is neutral and non-polar, at codon 38 of the IFIH1 protein (p.Leu38Pro). This variant is present in population databases (no rsID available, gnomAD 0.0009%). This variant has not been reported in the literature in individuals affected with IFIH1-related conditions. ClinVar contains an entry for this variant (Variation ID: 808838). Invitae Evidence Modeling of protein sequence and biophysical properties (such as structural, functional, and spatial information, amino acid conservation, physicochemical variation, residue mobility, and thermodynamic stability) has been performed for this missense variant. However, the output from this modeling did not meet the statistical confidence thresholds required to predict the impact of this variant on IFIH1 protein function. In summary, the available evidence is currently insufficient to determine the role of this variant in disease. Therefore, it has been classified as a Variant of Uncertain Significance.

GeneDx
Classification: Uncertain significance. Last evaluated: 2022-02-04. Review status: criteria provided, single submitter. Criteria: GeneDx Variant Classification Process June 2021. Collection method: clinical testing. Allele origin: germline. Affected: yes.
Comment: Not observed at a significant frequency in large population cohorts (gnomAD); In silico analysis supports that this missense variant has a deleterious effect on protein structure/function; Has not been previously published as pathogenic or benign to our knowledge

CeGaT Center for Human Genetics Tuebingen
Classification: Uncertain significance. Last evaluated: 2019-05-01. Review status: criteria provided, single submitter. Criteria: CeGaT Center For Human Genetics Tuebingen Variant Classification Criteria Version 2. Collection method: clinical testing. Allele origin: germline. Affected: yes. Observed: 1 variant allele.

NM_022168.4(IFIH1):c.113T>C (p.Leu38Pro)

Gene: IFIH1 (interferon induced with helicase C domain 1; minus strand). Cytogenetic location: 2q24.2.
Variant type: single nucleotide variant.
Coding change: c.113T>C on transcript NM_022168.4 (MANE Select); coding-DNA position 113, T replaced by C.
Protein change: p.Leu38Pro; replaces leucine 38 with proline.
Molecular consequence: missense variant.
Genome position (GRCh38, 1-based): chr2:162,318,195, A>G on the plus strand (T>C on the coding strand, the complement: IFIH1 is on the minus strand). VCF-style: chr2-162318195-A-G. GRCh37 (hg19) VCF-style: chr2-163174705-A-G.
Other names: short protein forms L38P.
Identifiers: ClinVar variation 808838 (VCV000808838.46), dbSNP rs919140409, ClinGen allele CA59694379.